The following is an entry in ClinVar:

ClinVar aggregate classification (germline): Uncertain significance (1 of 4 stars; one submission).

Submission:

Labcorp Genetics (formerly Invitae), Labcorp
Classification: Uncertain significance. Last evaluated: 2024-10-16. Review status: criteria provided, single submitter. Criteria: Invitae Variant Classification Sherloc (09022015). Collection method: clinical testing. Allele origin: germline.
Comment: This variant, c.1569_1571del, results in the deletion of 1 amino acid(s) of the IMPG2 protein (p.Glu523del), but otherwise preserves the integrity of the reading frame. This variant is not present in population databases (gnomAD no frequency). This variant has not been reported in the literature in individuals affected with IMPG2-related conditions. Experimental studies and prediction algorithms are not available or were not evaluated, and the functional significance of this variant is currently unknown. Algorithms developed to predict the effect of sequence changes on RNA splicing suggest that this variant may disrupt the consensus splice site. In summary, the available evidence is currently insufficient to determine the role of this variant in disease. Therefore, it has been classified as a Variant of Uncertain Significance.

NM_016247.4(IMPG2):c.1566AGA[1] (p.Glu523del)

Gene: IMPG2 (interphotoreceptor matrix proteoglycan 2; minus strand). Cytogenetic location: 3q12.3.
Variant type: Microsatellite.
Coding change: c.1566AGA[1] on transcript NM_016247.4 (MANE Select); one copy of the 3-base unit AGA starting at c.1566; the reference has two copies in a row; one copy, 3 bases deleted.
Protein change: p.Glu523del; deletes glutamic acid 523.
Molecular consequence: inframe deletion.
Genome position (GRCh38, 1-based): chr3:101,244,760-101,244,762, TCT deleted on the plus strand (AGA on the coding strand, the reverse complement: IMPG2 is on the minus strand); deleting any 3 consecutive bases within chr3:101,244,760-101,244,765 gives the same sequence; the position shown is the placement nearest the transcript's 3' end. VCF-style (leftmost placement, unchanged base first): chr3-101244759-ATCT-A. GRCh37 (hg19) VCF-style: chr3-100963603-ATCT-A.
Other names: short protein forms E523del.
Identifiers: ClinVar variation 1476015 (VCV001476015.6), dbSNP rs2107220995, ClinGen allele CA2580616509.